The following is an entry in ClinVar:

ClinVar aggregate classification (germline): Uncertain significance (1 of 4 stars; one submission).

Submission:

GeneDx
Classification: Uncertain significance. Last evaluated: 2022-08-11. Review status: criteria provided, single submitter. Criteria: GeneDx Variant Classification Process June 2021. Collection method: clinical testing. Allele origin: germline. Affected: yes.
Comment: Not observed at significant frequency in large population cohorts (gnomAD); In silico analysis supports that this missense variant has a deleterious effect on protein structure/function; Has not been previously published as pathogenic or benign to our knowledge

NM_004385.5(VCAN):c.370G>C (p.Asp124His)

Gene: VCAN (versican; plus strand). Cytogenetic location: 5q14.2.
Variant type: single nucleotide variant.
Coding change: c.370G>C on transcript NM_004385.5 (MANE Select); coding-DNA position 370, G replaced by C.
Protein change: p.Asp124His; replaces aspartic acid 124 with histidine.
Molecular consequence: missense variant.
Genome position (GRCh38, 1-based): chr5:83,490,397, G>C. VCF-style: chr5-83490397-G-C. GRCh37 (hg19) VCF-style: chr5-82786216-G-C.
Other names: c.370G>C, p.Asp124His (NM_001126336.3, NM_001164097.2, NM_001164098.2); short protein forms D124H.
Identifiers: ClinVar variation 2429683 (VCV002429683.1), dbSNP rs2478964843, ClinGen allele CA360295833.